The following is an entry in ClinVar:

NM_000548.5(TSC2):c.39G>T (p.Glu13Asp)

Gene: TSC2 (TSC complex subunit 2; plus strand). Cytogenetic location: 16p13.3.
Variant type: single nucleotide variant.
Coding change: c.39G>T on transcript NM_000548.5 (MANE Select); coding-DNA position 39, G replaced by T.
Protein change: p.Glu13Asp; replaces glutamic acid 13 with aspartic acid.
Molecular consequence: missense variant. On other transcripts: 5 prime UTR variant (1), intron variant (1).
Genome position (GRCh38, 1-based): chr16:2,048,654, G>T. VCF-style: chr16-2048654-G-T. GRCh37 (hg19) VCF-style: chr16-2098655-G-T.
Other names: c.39G>T, p.Glu13Asp (NM_001077183.3, NM_001114382.3, NM_001318827.2 and 4 more transcripts); c.-188G>T (NM_001318831.2); c.72G>T, p.Glu24Asp (NM_001318832.2); c.-10+589G>T (NM_001318829.2); short protein forms E13D, E24D.
Identifiers: ClinVar variation 1060157 (VCV001060157.12), dbSNP rs766814650, ClinGen allele CA049909.

ClinVar aggregate classification (germline): Conflicting classifications of pathogenicity. Review status: criteria provided, conflicting classifications (1 of 4 stars). 3 submissions from 3 submitters: Uncertain significance (2); Benign (1). Last evaluated 2023-12-12.

Conditions:
Hereditary cancer-predisposing syndrome. Also called: Tumor predisposition; Neoplastic Syndromes, Hereditary; Hereditary Cancer Syndrome; Hereditary neoplastic syndrome. Identifiers: Orphanet 140162, MedGen C0027672, MeSH D009386, MONDO:0015356.
Isolated focal cortical dysplasia type II (FCORD2). Also called: Focal cortical dysplasia type II; CORTICAL DYSPLASIA OF TAYLOR. Identifiers: Orphanet 268994, MedGen C1846385, MONDO:0011818, OMIM 607341, HP:0032051.
Tuberous sclerosis 2 (TSC2). Identifiers: Orphanet 805, MedGen C1860707, MONDO:0013199, OMIM 613254.

Allele frequency attached by ClinVar (database versions not stated): gnomAD exomes below 0.00001; ExAC 0.00001.
gnomAD v4.1: 2 of 1,614,010 alleles (0.00012%); highest among the groups gnomAD compares: Admixed American, 0.0017%; no homozygotes.

Submissions (3):

Baylor Genetics
Classification: Uncertain significance for Isolated focal cortical dysplasia type II. Last evaluated: 2023-12-12. Review status: criteria provided, single submitter. Criteria: ACMG Guidelines, 2015. Collection method: clinical testing. Allele origin: unknown.

Labcorp Genetics (formerly Invitae), Labcorp
Classification: Benign for Tuberous sclerosis 2. Last evaluated: 2023-07-19. Review status: criteria provided, single submitter. Criteria: Invitae Variant Classification Sherloc (09022015). Collection method: clinical testing. Allele origin: germline.

Ambry Genetics
Classification: Uncertain significance for Hereditary cancer-predisposing syndrome. Last evaluated: 2020-04-22. Review status: criteria provided, single submitter. Criteria: Ambry Variant Classification Scheme 2023. Collection method: clinical testing. Allele origin: germline.
Comment: The p.E13D variant (also known as c.39G>T), located in coding exon 1 of the TSC2 gene, results from a G to T substitution at nucleotide position 39. The glutamic acid at codon 13 is replaced by aspartic acid, an amino acid with highly similar properties. This amino acid position is well conserved in available vertebrate species; however, aspartic acid is the reference amino acid in other vertebrate species. In addition, the in silico prediction for this alteration is inconclusive. Since supporting evidence is limited at this time, the clinical significance of this alteration remains unclear.